The following is an entry in ClinVar:

NM_001130823.3(DNMT1):c.4056C>T (p.Pro1352=)

Gene: DNMT1 (DNA methyltransferase 1; minus strand). Cytogenetic location: 19p13.2.
Variant type: single nucleotide variant.
Coding change: c.4056C>T on transcript NM_001130823.3 (MANE Select); coding-DNA position 4056, C replaced by T.
Protein change: p.Pro1352=; no amino-acid change (proline 1352 retained).
Molecular consequence: synonymous variant.
Genome position (GRCh38, 1-based): chr19:10,138,498, G>A on the plus strand (C>T on the coding strand, the complement: DNMT1 is on the minus strand). VCF-style: chr19-10138498-G-A. GRCh37 (hg19) VCF-style: chr19-10249174-G-A.
Other names: c.4008C>T, p.Pro1336= (NM_001318730.2, NM_001379.4); c.3693C>T, p.Pro1231= (NM_001318731.2); c.4056C>T (NM_001130823.2).
Identifiers: ClinVar variation 717863 (VCV000717863.15), dbSNP rs540856211, ClinGen allele CA9187605.
Genomic context (GRCh38, chr19:10,138,498, plus strand): 5'-CCTGGTTATGTTGCTCACAAACTTCTTGTCATCCACCACCACGCTCAGCTGGCAGGCCCG[G>A]GGAGCAAACACGTGCAGTGGCTCCGGGAACAGAGGGAGCTTCTCTCCAGGGGCCGCGGCC-3'
Protein context (NP_001124295.1, residues 1342-1362): LFPEPLHVFA[Pro1352=]RACQLSVVVD

ClinVar aggregate classification (germline): Likely benign. Review status: criteria provided, multiple submitters, no conflicts (2 of 4 stars). 4 submissions from 4 submitters: Likely benign (4). Last evaluated 2026-04-01.

Conditions:
DNMT1-related disorder. Also called: DNMT1-related condition. Identifiers: MedGen CN381527.
Hereditary sensory neuropathy-deafness-dementia syndrome. Also called: Hereditary Sensory and Autonomic Neuropathy Type 1E (HSAN1E); Hereditary sensory neuropathy type IE; NEUROPATHY, HEREDITARY SENSORY, WITH HEARING LOSS AND DEMENTIA; HSN IE. Identifiers: Orphanet 456318, MedGen C3279885, MONDO:0013584, OMIM 614116.

Allele frequency attached by ClinVar (database versions not stated): gnomAD exomes 0.00002 and 0.00006; ExAC 0.00003; gnomAD 0.00005 and 0.00006; TOPMed 0.00010; 1000 Genomes Project 0.00020; 1000 Genomes Project 30x 0.00031.
gnomAD v4.1: 35 of 1,613,728 alleles (0.0022%); highest among the groups gnomAD compares: Admixed American, 0.038%; no homozygotes.

Submissions (4):

CeGaT Center for Human Genetics Tuebingen
Classification: Likely benign. Last evaluated: 2026-04-01. Review status: criteria provided, single submitter. Criteria: CeGaT Center For Human Genetics Tuebingen Variant Classification Criteria Version 2. Collection method: clinical testing. Allele origin: germline. Affected: yes. Observed: 1 variant allele.
Comment: DNMT1: BP4, BP7

Labcorp Genetics (formerly Invitae), Labcorp
Classification: Likely benign for Hereditary sensory neuropathy-deafness-dementia syndrome. Last evaluated: 2025-12-21. Review status: criteria provided, single submitter. Criteria: Invitae Variant Classification Sherloc (09022015). Collection method: clinical testing. Allele origin: germline.

PreventionGenetics, part of Exact Sciences
Classification: Likely benign for DNMT1-related condition. Last evaluated: 2025-10-15. Review status: criteria provided, single submitter. Criteria: ACMG Guidelines, 2015. Collection method: clinical testing. Allele origin: germline.
Comment: This variant is classified as likely benign based on ACMG/AMP sequence variant interpretation guidelines (Richards et al. 2015 PMID: 25741868, with internal and published modifications).

Blueprint Genetics
Classification: Likely benign. Last evaluated: 2022-05-03. Review status: criteria provided, single submitter. Criteria: ACMG Guidelines, 2015. Collection method: clinical testing. Allele origin: germline.